The following is an entry in ClinVar:

NM_000059.4(BRCA2):c.685G>C (p.Val229Leu)

Gene: BRCA2 (BRCA2 DNA repair associated; plus strand). Cytogenetic location: 13q13.1.
Variant type: single nucleotide variant.
Coding change: c.685G>C on transcript NM_000059.4 (MANE Select); coding-DNA position 685, G replaced by C.
Protein change: p.Val229Leu; replaces valine 229 with leucine.
Molecular consequence: missense variant. On other transcripts: non-coding transcript variant (1).
Genome position (GRCh38, 1-based): chr13:32,330,922, G>C. VCF-style: chr13-32330922-G-C. GRCh37 (hg19) VCF-style: chr13-32905059-G-C.
Other names: c.685G>C, p.Val229Leu (NM_001406719.1, NM_001406720.1, NM_001406721.1); c.316G>C, p.Val106Leu (NM_001406722.1); short protein forms V229L, V106L.
Identifiers: ClinVar variation 2774875 (VCV002774875.2), dbSNP rs749594501, ClinGen allele CA387759843.

ClinVar aggregate classification (germline): Uncertain significance (1 of 4 stars; one submission).

Conditions:
Hereditary cancer-predisposing syndrome. Also called: Neoplastic Syndromes, Hereditary; Tumor predisposition; Hereditary Cancer Syndrome; Hereditary neoplastic syndrome. Identifiers: Orphanet 140162, MedGen C0027672, MeSH D009386, MONDO:0015356.

Submission:

Color Diagnostics, LLC DBA Color Health
Classification: Uncertain significance for Hereditary cancer-predisposing syndrome. Last evaluated: 2024-01-08. Review status: criteria provided, single submitter. Criteria: ACMG Guidelines, 2015. Collection method: clinical testing. Allele origin: germline.
Comment: This missense variant replaces valine with leucine at codon 229 of the BRCA2 protein. Computational prediction suggests that this variant may not impact protein structure and function. To our knowledge, functional studies have not been reported for this variant. This variant has not been reported in individuals affected with BRCA2-related disorders in the literature. This variant has not been identified in the general population by the Genome Aggregation Database (gnomAD). The available evidence is insufficient to determine the role of this variant in disease conclusively. Therefore, this variant is classified as a Variant of Uncertain Significance.